The following is an entry in ClinVar:

NM_004187.5(KDM5C):c.2849T>C (p.Met950Thr)

Gene: KDM5C (lysine demethylase 5C; minus strand). Cytogenetic location: Xp11.22.
Variant type: single nucleotide variant.
Coding change: c.2849T>C on transcript NM_004187.5 (MANE Select); coding-DNA position 2849, T replaced by C.
Protein change: p.Met950Thr; replaces methionine 950 with threonine.
Molecular consequence: missense variant. On other transcripts: non-coding transcript variant (3).
Genome position (GRCh38, 1-based): chrX:53,196,818, A>G on the plus strand (T>C on the coding strand, the complement: KDM5C is on the minus strand). VCF-style: chrX-53196818-A-G. GRCh37 (hg19) VCF-style: chrX-53226000-A-G.
Other names: c.2648T>C, p.Met883Thr (NM_001146702.2); c.2846T>C, p.Met949Thr (NM_001282622.3, NM_001353979.2, NM_001353982.2); c.2849T>C, p.Met950Thr (NM_001353978.3, NM_001353981.2, NM_001353984.2); short protein forms M883T, M950T, M949T.
Identifiers: ClinVar variation 2858692 (VCV002858692.3), dbSNP rs1415009010, ClinGen allele CA413112581.

ClinVar aggregate classification (germline): Uncertain significance (1 of 4 stars; one submission).

Conditions:
Spastic paraplegia. Identifiers: MedGen C0037772, HP:0001258.

Allele frequency attached by ClinVar (database versions not stated): gnomAD exomes below 0.00001; TOPMed 0.00002.

Submission:

Labcorp Genetics (formerly Invitae), Labcorp
Classification: Uncertain significance for Spastic paraplegia. Last evaluated: 2023-04-23. Review status: criteria provided, single submitter. Criteria: Invitae Variant Classification Sherloc (09022015). Collection method: clinical testing. Allele origin: germline.
Comment: This sequence change replaces methionine, which is neutral and non-polar, with threonine, which is neutral and polar, at codon 950 of the KDM5C protein (p.Met950Thr). In summary, the available evidence is currently insufficient to determine the role of this variant in disease. Therefore, it has been classified as a Variant of Uncertain Significance. Advanced modeling of protein sequence and biophysical properties (such as structural, functional, and spatial information, amino acid conservation, physicochemical variation, residue mobility, and thermodynamic stability) has been performed at Invitae for this missense variant, however the output from this modeling did not meet the statistical confidence thresholds required to predict the impact of this variant on KDM5C protein function. This variant has not been reported in the literature in individuals affected with KDM5C-related conditions. This variant is not present in population databases (gnomAD no frequency).